The following is an entry in ClinVar:

ClinVar aggregate classification (germline): Uncertain significance (1 of 4 stars; one submission).

Submission:

Labcorp Genetics (formerly Invitae), Labcorp
Classification: Uncertain significance. Last evaluated: 2023-03-08. Review status: criteria provided, single submitter. Criteria: Invitae Variant Classification Sherloc (09022015). Collection method: clinical testing. Allele origin: germline.
Comment: In summary, the available evidence is currently insufficient to determine the role of this variant in disease. Therefore, it has been classified as a Variant of Uncertain Significance. Algorithms developed to predict the effect of sequence changes on RNA splicing suggest that this variant may disrupt the consensus splice site. Advanced modeling of protein sequence and biophysical properties (such as structural, functional, and spatial information, amino acid conservation, physicochemical variation, residue mobility, and thermodynamic stability) performed at Invitae indicates that this missense variant is expected to disrupt EMC1 protein function. This variant has not been reported in the literature in individuals affected with EMC1-related conditions. This variant is not present in population databases (gnomAD no frequency). This sequence change replaces glutamic acid, which is acidic and polar, with glycine, which is neutral and non-polar, at codon 930 of the EMC1 protein (p.Glu930Gly).

NM_015047.3(EMC1):c.2789A>G (p.Glu930Gly)

Genes: EMC1-AS1 (EMC1 antisense RNA 1; plus strand), EMC1 (ER membrane protein complex subunit 1; minus strand). Cytogenetic location: 1p36.13.
Variant type: single nucleotide variant.
Coding change: c.2789A>G on transcript NM_015047.3 (MANE Select); coding-DNA position 2789, A replaced by G.
Protein change: p.Glu930Gly; replaces glutamic acid 930 with glycine.
Molecular consequence: missense variant.
Genome position (GRCh38, 1-based): chr1:19,219,582, T>C on the plus strand (A>G on the coding strand, the complement: EMC1 is on the minus strand). VCF-style: chr1-19219582-T-C. GRCh37 (hg19) VCF-style: chr1-19546076-T-C.
Other names: c.2786A>G, p.Glu929Gly (NM_001271427.2, NM_001271428.2); c.2723A>G, p.Glu908Gly (NM_001271429.2); c.2798A>G, p.Glu933Gly (NM_001375820.1); c.2795A>G, p.Glu932Gly (NM_001375821.1); short protein forms E933G, E908G, E932G, E929G, E930G.
Identifiers: ClinVar variation 2843867 (VCV002843867.3), dbSNP rs2536637323, ClinGen allele CA338749664.
Genomic context (GRCh38, chr1:19,219,582, plus strand): 5'-CAATGATCCACCAAGGGTGAAATAGGGCAGCTGTGGGCTCTACTCACCAAACAAGTGGAC[T>C]CCAGACCCGAGGGAGCTGTGTAGATACCTCGCATTCGAGAAACTGTCTGGTTATAGTTGA-3'
Protein context (NP_055862.1, residues 920-940): RGIYTAPSGL[Glu930Gly]STCLVVAYGL